The following is an entry in ClinVar:

NM_014679.5(CEP57):c.699G>A (p.Glu233=)

Gene: CEP57 (centrosomal protein 57; plus strand). Cytogenetic location: 11q21.
Variant type: single nucleotide variant.
Coding change: c.699G>A on transcript NM_014679.5 (MANE Select); coding-DNA position 699, G replaced by A.
Protein change: p.Glu233=; no amino-acid change (glutamic acid 233 retained).
Molecular consequence: synonymous variant.
Genome position (GRCh38, 1-based): chr11:95,818,904, G>A. VCF-style: chr11-95818904-G-A. GRCh37 (hg19) VCF-style: chr11-95552068-G-A.
Other names: c.672G>A, p.Glu224= (NM_001243776.2); c.699G>A, p.Glu233= (NM_001243777.2); c.618G>A, p.Glu206= (NM_001363604.2).
Identifiers: ClinVar variation 3721028 (VCV003721028.2).

ClinVar aggregate classification (germline): Uncertain significance (1 of 4 stars; one submission).

Conditions:
Mosaic variegated aneuploidy syndrome 2 (MVA2). Identifiers: Orphanet 1052, MedGen C3279843, MONDO:0013582, OMIM 614114.

Submission:

Labcorp Genetics (formerly Invitae), Labcorp
Classification: Uncertain significance for Mosaic variegated aneuploidy syndrome 2. Last evaluated: 2024-12-03. Review status: criteria provided, single submitter. Criteria: Invitae Variant Classification Sherloc (09022015). Collection method: clinical testing. Allele origin: germline.
Comment: This sequence change affects codon 233 of the CEP57 mRNA. It is a 'silent' change, meaning that it does not change the encoded amino acid sequence of the CEP57 protein. This variant also falls at the last nucleotide of exon 6, which is part of the consensus splice site for this exon. This variant is not present in population databases (gnomAD no frequency). This variant has not been reported in the literature in individuals affected with CEP57-related conditions. Experimental studies and prediction algorithms are not available or were not evaluated, and the functional significance of this variant is currently unknown. Variants that disrupt the consensus splice site are a relatively common cause of aberrant splicing (PMID: 17576681, 9536098). Algorithms developed to predict the effect of sequence changes on RNA splicing suggest that this variant is not likely to affect RNA splicing. In summary, the available evidence is currently insufficient to determine the role of this variant in disease. Therefore, it has been classified as a Variant of Uncertain Significance.

Literature cited by the submitters: PubMed 17576681; PubMed 9536098.